The following is an entry in ClinVar:

NC_000019.9:g.(?_8376389)_(8386959_?)dup

Genes: NDUFA7 (NADH:ubiquinone oxidoreductase subunit A7; minus strand), RPS28 (ribosomal protein S28; plus strand). Cytogenetic location: 19p13.2.
Variant type: Duplication.
Identifiers: ClinVar variation 3242658 (VCV003242658.1).

ClinVar aggregate classification (germline): Uncertain significance (1 of 4 stars; one submission).

Submission:

Labcorp Genetics (formerly Invitae), Labcorp
Classification: Uncertain significance. Last evaluated: 2023-08-27. Review status: criteria provided, single submitter. Criteria: Invitae Variant Classification Sherloc (09022015). Collection method: clinical testing. Allele origin: unknown.
Comment: A copy number gain of the genomic region encompassing the full coding sequence of the RPS28 gene has been identified. The boundaries of this event are unknown as they extend beyond the assayed region for this gene and therefore may encompass additional genes. As the precise location of this event is unknown, it may be in tandem or it may be located elsewhere in the genome. This variant has not been reported in the literature in individuals affected with RPS28-related conditions. In summary, the available evidence is currently insufficient to determine the role of this variant in disease. Therefore, it has been classified as a Variant of Uncertain Significance.